The following is an entry in ClinVar:

NM_000282.4(PCCA):c.68A>C (p.Gln23Pro)

Gene: PCCA (propionyl-CoA carboxylase subunit alpha; plus strand). Cytogenetic location: 13q32.3.
Variant type: single nucleotide variant.
Coding change: c.68A>C on transcript NM_000282.4 (MANE Select); coding-DNA position 68, A replaced by C.
Protein change: p.Gln23Pro; replaces glutamine 23 with proline.
Molecular consequence: missense variant. On other transcripts: 5 prime UTR variant (3), non-coding transcript variant (5).
Genome position (GRCh38, 1-based): chr13:100,089,188, A>C. VCF-style: chr13-100089188-A-C. GRCh37 (hg19) VCF-style: chr13-100741442-A-C.
Other names: c.68A>C, p.Gln23Pro (NM_001127692.3, NM_001178004.2, NM_001352605.2 and 4 more transcripts); c.-799A>C (NM_001352610.2, NM_001352611.2, NM_001352612.2); c.68A>C (NM_000282.3); short protein forms Q23P.
Identifiers: ClinVar variation 1365855 (VCV001365855.6), dbSNP rs1566436392, ClinGen allele CA388692704.

ClinVar aggregate classification (germline): Uncertain significance. Review status: criteria provided, multiple submitters, no conflicts (2 of 4 stars). 2 submissions from 2 submitters: Uncertain significance (2). Last evaluated 2026-07-31.

Conditions:
PCCA-related disorder. Also called: PCCA-related condition.
Propionic acidemia (PROP). Also called: GLYCINEMIA, KETOTIC; HYPERGLYCINEMIA WITH KETOACIDOSIS AND LEUKOPENIA; KETOTIC HYPERGLYCINEMIA. Identifiers: Orphanet 35, MedGen C0268579, MONDO:0011628, OMIM 606054, HP:0003571.

Allele frequency attached by ClinVar (database versions not stated): gnomAD exomes below 0.00001 and 0.00001; TOPMed 0.00001.
gnomAD v4.1: 7 of 1,529,272 alleles (0.00046%); highest among the groups gnomAD compares: Admixed American, 0.004%; no homozygotes.

Submissions (2):

PreventionGenetics, part of Exact Sciences
Classification: Uncertain significance for PCCA-related condition. Last evaluated: 2026-07-31. Review status: criteria provided, single submitter. Criteria: ACMG Guidelines, 2015. Collection method: clinical testing. Allele origin: germline.
Comment: The PCCA c.68A>C variant is predicted to result in the amino acid substitution p.Gln23Pro. To our knowledge, this variant has not been reported in the literature. This variant is reported in 0.0043% of alleles in individuals of Latino descent in gnomAD. At this time, the clinical significance of this variant is uncertain due to the absence of conclusive functional and genetic evidence.

Labcorp Genetics (formerly Invitae), Labcorp
Classification: Uncertain significance for Propionic acidemia. Last evaluated: 2021-09-24. Review status: criteria provided, single submitter. Criteria: Invitae Variant Classification Sherloc (09022015). Collection method: clinical testing. Allele origin: germline.
Comment: This sequence change replaces glutamine with proline at codon 23 of the PCCA protein (p.Gln23Pro). The glutamine residue is weakly conserved and there is a moderate physicochemical difference between glutamine and proline. The frequency data for this variant in the population databases is considered unreliable, as metrics indicate insufficient coverage at this position in the ExAC database. This variant has not been reported in the literature in individuals with PCCA-related conditions. Advanced modeling of protein sequence and biophysical properties (such as structural, functional, and spatial information, amino acid conservation, physicochemical variation, residue mobility, and thermodynamic stability) performed at Invitae indicates that this missense variant is not expected to disrupt PCCA protein function. In summary, the available evidence is currently insufficient to determine the role of this variant in disease. Therefore, it has been classified as a Variant of Uncertain Significance.